The following is an entry in ClinVar:

NM_030962.4(SBF2):c.1103A>G (p.Gln368Arg)

Gene: SBF2 (SET binding factor 2; minus strand). Cytogenetic location: 11p15.4.
Variant type: single nucleotide variant.
Coding change: c.1103A>G on transcript NM_030962.4 (MANE Select); coding-DNA position 1103, A replaced by G.
Protein change: p.Gln368Arg; replaces glutamine 368 with arginine.
Molecular consequence: missense variant.
Genome position (GRCh38, 1-based): chr11:9,993,054, T>C on the plus strand (A>G on the coding strand, the complement: SBF2 is on the minus strand). VCF-style: chr11-9993054-T-C. GRCh37 (hg19) VCF-style: chr11-10014601-T-C.
Other names: c.1103A>G, p.Gln368Arg (NM_001386339.1, NM_001386342.1); short protein forms Q368R.
Identifiers: ClinVar variation 1013304 (VCV001013304.42), dbSNP rs1947510624, ClinGen allele CA379637892.

ClinVar aggregate classification (germline): Uncertain significance. Review status: criteria provided, multiple submitters, no conflicts (2 of 4 stars). 3 submissions from 3 submitters: Uncertain significance (3). Last evaluated 2024-11-11.

Conditions:
Inborn genetic diseases. Identifiers: MedGen C0950123, MeSH D030342.
Charcot-Marie-Tooth disease type 4. Also called: Charcot-Marie-Tooth disease, type IV; Charcot-Marie-Tooth, Type 4. Identifiers: Orphanet 64749, MedGen C4082197, MONDO:0018995.

Allele frequency attached by ClinVar (database versions not stated): gnomAD exomes below 0.00001.
gnomAD v4.1: 2 of 1,612,840 alleles (0.00012%); highest among the groups gnomAD compares: Non-Finnish European, 0.00017%; no homozygotes.

Submissions (3):

Labcorp Genetics (formerly Invitae), Labcorp
Classification: Uncertain significance for Charcot-Marie-Tooth disease type 4. Last evaluated: 2024-11-11. Review status: criteria provided, single submitter. Criteria: Invitae Variant Classification Sherloc (09022015). Collection method: clinical testing. Allele origin: germline.
Comment: This sequence change replaces glutamine, which is neutral and polar, with arginine, which is basic and polar, at codon 368 of the SBF2 protein (p.Gln368Arg). This variant is not present in population databases (gnomAD no frequency). This variant has not been reported in the literature in individuals affected with SBF2-related conditions. ClinVar contains an entry for this variant (Variation ID: 1013304). Invitae Evidence Modeling of protein sequence and biophysical properties (such as structural, functional, and spatial information, amino acid conservation, physicochemical variation, residue mobility, and thermodynamic stability) indicates that this missense variant is expected to disrupt SBF2 protein function with a positive predictive value of 80%. In summary, the available evidence is currently insufficient to determine the role of this variant in disease. Therefore, it has been classified as a Variant of Uncertain Significance.

CeGaT Center for Human Genetics Tuebingen
Classification: Uncertain significance. Last evaluated: 2021-01-01. Review status: criteria provided, single submitter. Criteria: CeGaT Center For Human Genetics Tuebingen Variant Classification Criteria Version 2. Collection method: clinical testing. Allele origin: germline. Affected: yes. Observed: 1 variant allele.

Ambry Genetics
Classification: Uncertain significance for Inborn genetic diseases. Last evaluated: 2019-11-14. Review status: criteria provided, single submitter. Criteria: Ambry Variant Classification Scheme 2023. Collection method: clinical testing. Allele origin: germline.
Comment: The p.Q368R variant (also known as c.1103A>G), located in coding exon 11 of the SBF2 gene, results from an A to G substitution at nucleotide position 1103. The glutamine at codon 368 is replaced by arginine, an amino acid with highly similar properties. This amino acid position is highly conserved in available vertebrate species. In addition, the in silico prediction for this alteration is inconclusive. Since supporting evidence is limited at this time, the clinical significance of this alteration remains unclear.